The following is an entry in ClinVar:

ClinVar aggregate classification (germline): Uncertain significance (1 of 4 stars; one submission).

Allele frequency attached by ClinVar (database versions not stated): ExAC 0.00001; gnomAD 0.00001; gnomAD exomes 0.00001; TOPMed 0.00002.
gnomAD v4.1: 18 of 1,613,542 alleles (0.0011%); highest among the groups gnomAD compares: African/African-American, 0.0053%; no homozygotes.

Submission:

Labcorp Genetics (formerly Invitae), Labcorp
Classification: Uncertain significance. Last evaluated: 2024-04-16. Review status: criteria provided, single submitter. Criteria: Invitae Variant Classification Sherloc (09022015). Collection method: clinical testing. Allele origin: germline.
Comment: This sequence change replaces alanine, which is neutral and non-polar, with valine, which is neutral and non-polar, at codon 1555 of the POLR1A protein (p.Ala1555Val). This variant is present in population databases (rs758995206, gnomAD 0.0009%). This variant has not been reported in the literature in individuals affected with POLR1A-related conditions. ClinVar contains an entry for this variant (Variation ID: 1932458). Advanced modeling of protein sequence and biophysical properties (such as structural, functional, and spatial information, amino acid conservation, physicochemical variation, residue mobility, and thermodynamic stability) performed at Invitae indicates that this missense variant is not expected to disrupt POLR1A protein function with a negative predictive value of 80%. In summary, the available evidence is currently insufficient to determine the role of this variant in disease. Therefore, it has been classified as a Variant of Uncertain Significance.

NM_015425.6(POLR1A):c.4664C>T (p.Ala1555Val)

Gene: POLR1A (RNA polymerase I subunit A; minus strand). Cytogenetic location: 2p11.2.
Variant type: single nucleotide variant.
Coding change: c.4664C>T on transcript NM_015425.6 (MANE Select); coding-DNA position 4664, C replaced by T.
Protein change: p.Ala1555Val; replaces alanine 1555 with valine.
Molecular consequence: missense variant.
Genome position (GRCh38, 1-based): chr2:86,030,311, G>A on the plus strand (C>T on the coding strand, the complement: POLR1A is on the minus strand). VCF-style: chr2-86030311-G-A. GRCh37 (hg19) VCF-style: chr2-86257434-G-A.
Other names: short protein forms A1555V.
Identifiers: ClinVar variation 1932458 (VCV001932458.4), dbSNP rs758995206, ClinGen allele CA1745432.